The following is an entry in ClinVar:

ClinVar aggregate classification (germline): Conflicting classifications of pathogenicity. Review status: criteria provided, conflicting classifications (1 of 4 stars). 3 submissions from 3 submitters: Pathogenic (2); Uncertain significance (1). Last evaluated 2026-09-02.

Conditions:
Autoinflammatory syndrome. Identifiers: Orphanet 93665, MedGen C3890737, MONDO:0019751.
Deficiency of adenosine deaminase 2. Also called: Polyarteritis nodosa, childhoood-onset; Adenosine Deaminase 2 Deficiency; VASCULITIS, AUTOINFLAMMATION, IMMUNODEFICIENCY, AND HEMATOLOGIC DEFECTS SYNDROME. Identifiers: Orphanet 404553, MedGen C3887654, MONDO:0014306, OMIM 615688, MONDO:0100317.

Submissions (3):

Children's Medical Center, Division of Allergy and Clinical Immunology, Tehran University of Medical Sciences
Classification: Pathogenic for Deficiency of adenosine deaminase 2. Last evaluated: 2026-09-02. Review status: criteria provided, single submitter. Criteria: ACMG Guidelines, 2015. Collection method: clinical testing. Allele origin: germline. Inheritance: Autosomal recessive inheritance. Affected: yes. Observed: 1 variant allele, 1 homozygote.
Comment: ADA2 enzyme activity measured in the patient was reduced below the laboratory reference range, providing additional biochemical evidence supporting the pathogenicity of the NM_001282225.2.962G>A (p.Gly321Glu) variant in the context of the patient's clinical and genetic findings. The same variant has previously been reported in patients with DADA2 and severe hematologic manifestations, including neutropenia (PMID: 29564582). Functional characterization of p.Gly321Glu demonstrated markedly impaired ADA2 activity, with approximately 1.8% residual activity relative to wild-type protein (PMID: 31945408). Low ADA2 enzymatic activity in our patient, the clinical phenotype, segregation data, previous disease-associated observations, and published functional evidence support classification of this variant as pathogenic for deficiency of adenosine deaminase 2.

Labcorp Genetics (formerly Invitae), Labcorp
Classification: Pathogenic for Deficiency of adenosine deaminase 2. Last evaluated: 2024-10-07. Review status: criteria provided, single submitter. Criteria: Invitae Variant Classification Sherloc (09022015). Collection method: clinical testing. Allele origin: germline.
Comment: This sequence change replaces glycine, which is neutral and non-polar, with glutamic acid, which is acidic and polar, at codon 321 of the ADA2 protein (p.Gly321Glu). This variant is not present in population databases (gnomAD no frequency). This missense change has been observed in individuals with clinical features of DADA2 deficiency (PMID: 29564582, 31945408, 37312195). ClinVar contains an entry for this variant (Variation ID: 1694264). Invitae Evidence Modeling of protein sequence and biophysical properties (such as structural, functional, and spatial information, amino acid conservation, physicochemical variation, residue mobility, and thermodynamic stability) indicates that this missense variant is expected to disrupt ADA2 protein function with a positive predictive value of 95%. Experimental studies have shown that this missense change affects ADA2 function (PMID: 31945408, 34004258). For these reasons, this variant has been classified as Pathogenic.

Genome Diagnostics Laboratory, The Hospital for Sick Children
Classification: Uncertain significance for Autoinflammatory syndrome. Last evaluated: 2021-09-13. Review status: criteria provided, single submitter. Criteria: ACMG Guidelines, 2015. Collection method: clinical testing. Allele origin: germline. Affected: yes.

Literature cited by the submitters: PubMed 29564582 (cited by Labcorp Genetics (formerly Invitae), Labcorp); PubMed 31945408 (cited by Labcorp Genetics (formerly Invitae), Labcorp); PubMed 37312195 (cited by Labcorp Genetics (formerly Invitae), Labcorp); PubMed 34004258 (cited by Labcorp Genetics (formerly Invitae), Labcorp).

NM_001282225.2(ADA2):c.962G>A (p.Gly321Glu)

Gene: ADA2 (adenosine deaminase 2; minus strand). Cytogenetic location: 22q11.1.
Variant type: single nucleotide variant.
Coding change: c.962G>A on transcript NM_001282225.2 (MANE Select); coding-DNA position 962, G replaced by A.
Protein change: p.Gly321Glu; replaces glycine 321 with glutamic acid.
Molecular consequence: missense variant.
Genome position (GRCh38, 1-based): chr22:17,189,952, C>T on the plus strand (G>A on the coding strand, the complement: ADA2 is on the minus strand). VCF-style: chr22-17189952-C-T. GRCh37 (hg19) VCF-style: chr22-17670842-C-T.
Other names: c.962G>A, p.Gly321Glu (NM_001282226.2); c.836G>A, p.Gly279Glu (NM_001282227.2, NM_001282228.2); c.602G>A, p.Gly201Glu (NM_001282229.2); c.239G>A, p.Gly80Glu (NM_177405.3); short protein forms G201E, G279E, G321E, G80E.
Identifiers: ClinVar variation 1694264 (VCV001694264.9), dbSNP rs865858930, ClinGen allele CA321176330.